The following is an entry in ClinVar:

ClinVar aggregate classification (germline): Conflicting classifications of pathogenicity. Review status: criteria provided, conflicting classifications (1 of 4 stars). 4 submissions from 4 submitters: Likely pathogenic (1); Uncertain significance (3). Last evaluated 2026-06-16.

Conditions:
Ehlers-Danlos syndrome, classic type, 1 (EDSCL1). Also called: EDS I; EHLERS-DANLOS SYNDROME, GRAVIS TYPE; EHLERS-DANLOS SYNDROME, SEVERE CLASSIC TYPE; Ehlers-Danlos Syndrome, Classic Type, COL5A1-Related; Ehlers-Danlos syndrome, type 1. Identifiers: MedGen C0268335, MONDO:0019567, OMIM 130000.
Familial thoracic aortic aneurysm and aortic dissection (TAAD). Also called: Thoracic aortic aneurysms and dissections. Identifiers: Orphanet 91387, MedGen C4707243, MONDO:0019625.

Allele frequency attached by ClinVar (database versions not stated): TOPMed below 0.00001; gnomAD exomes 0.00001.
gnomAD v4.1: 21 of 1,613,610 alleles (0.0013%); highest among the groups gnomAD compares: Non-Finnish European, 0.0018%; no homozygotes.

Submissions (4):

Ambry Genetics
Classification: Uncertain significance for Familial thoracic aortic aneurysm and aortic dissection. Last evaluated: 2026-06-16. Review status: criteria provided, single submitter. Criteria: Ambry Variant Classification Scheme 2023. Collection method: clinical testing. Allele origin: germline.
Comment: The p.C1746S variant (also known as c.5236T>A), located in coding exon 65 of the COL5A1 gene, results from a T to A substitution at nucleotide position 5236. The cysteine at codon 1746 is replaced by serine, an amino acid with dissimilar properties. This variant has been reported in an individual with multiple arterial aneurysms (Chen JF et al. J Vasc Surg Cases Innov Tech, 2019 Dec;5:410-414). This amino acid position is highly conserved in available vertebrate species. In addition, this alteration is predicted to be deleterious by in silico analysis. Based on the available evidence, the clinical significance of this variant remains unclear.

Mayo Clinic Laboratories, Mayo Clinic
Classification: Likely pathogenic. Last evaluated: 2025-10-15. Review status: criteria provided, single submitter. Criteria: ACMG Guidelines, 2015. Collection method: clinical testing. Allele origin: germline. Observed: 1 variant allele.
Comment: PP3_strong, PM1, PM2_supporting

GeneDx
Classification: Uncertain significance. Last evaluated: 2023-12-27. Review status: criteria provided, single submitter. Criteria: GeneDx Variant Classification Process June 2021. Collection method: clinical testing. Allele origin: germline.
Comment: Identified in a patient with multifocal fibromuscular dysplasia and bilateral internal mammary artery aneurysm in published literature (PMID: 31660461); Not observed at significant frequency in large population cohorts (gnomAD); In silico analysis supports that this missense variant has a deleterious effect on protein structure/function; Not located in the triple helical region, where the majority of pathogenic missense variants occur (PMID: 22696272, HGMD); This variant is associated with the following publications: (PMID: 22696272, 31660461)

Labcorp Genetics (formerly Invitae), Labcorp
Classification: Uncertain significance for Ehlers-Danlos syndrome, classic type, 1. Last evaluated: 2022-10-05. Review status: criteria provided, single submitter. Criteria: Invitae Variant Classification Sherloc (09022015). Collection method: clinical testing. Allele origin: germline.
Comment: This sequence change replaces cysteine, which is neutral and slightly polar, with serine, which is neutral and polar, at codon 1746 of the COL5A1 protein (p.Cys1746Ser). This variant is not present in population databases (gnomAD no frequency). This missense change has been observed in individual(s) with multiple aneurysms (PMID: 31660461). Advanced modeling of protein sequence and biophysical properties (such as structural, functional, and spatial information, amino acid conservation, physicochemical variation, residue mobility, and thermodynamic stability) performed at Invitae indicates that this missense variant is expected to disrupt COL5A1 protein function. In summary, the available evidence is currently insufficient to determine the role of this variant in disease. Therefore, it has been classified as a Variant of Uncertain Significance.

Literature cited by the submitters: PubMed 31660461 (cited by 3 submitters); PubMed 19370768 (cited by Mayo Clinic Laboratories, Mayo Clinic); PubMed 9042913 (cited by Mayo Clinic Laboratories, Mayo Clinic).

NM_000093.5(COL5A1):c.5236T>A (p.Cys1746Ser)

Genes: COL5A1 (collagen type V alpha 1 chain; plus strand), LOC101448202 (uncharacterized LOC101448202; minus strand). Cytogenetic location: 9q34.3.
Variant type: single nucleotide variant.
Coding change: c.5236T>A on transcript NM_000093.5 (MANE Select); coding-DNA position 5236, T replaced by A.
Protein change: p.Cys1746Ser; replaces cysteine 1746 with serine.
Molecular consequence: missense variant.
Genome position (GRCh38, 1-based): chr9:134,835,070, T>A. VCF-style: chr9-134835070-T-A. GRCh37 (hg19) VCF-style: chr9-137726916-T-A.
Other names: p.Cys1746Ser; c.5236T>A, p.Cys1746Ser (NM_001278074.1); c.5236T>A (NM_000093.3); short protein forms C1746S.
Identifiers: ClinVar variation 2137661 (VCV002137661.5), dbSNP rs1428990840, ClinGen allele CA375460512.
Genomic context (GRCh38, chr9:134,835,070, plus strand): 5'-GTACAGATGACCTTCCTGCGGCTGCTGAGCGCCTCTGCCCACCAGAACGTCACCTACCAC[T>A]GCTACCAGTCAGTGGCCTGGCAGGACGCAGCCACGGGCAGCTACGACAAGGCCCTCCGCT-3'
Protein context (NP_000084.3, residues 1736-1756): ASAHQNVTYH[Cys1746Ser]YQSVAWQDAA